The following is an entry in ClinVar:

ClinVar aggregate classification (germline): Pathogenic. Review status: criteria provided, multiple submitters, no conflicts (2 of 4 stars). 2 submissions from 2 submitters: Pathogenic (2). Last evaluated 2023-05-17.

Conditions:
Septo-optic dysplasia sequence (SOD). Also called: DE MORSIER SYNDROME; Septo-optic dysplasia. Identifiers: Orphanet 3157, MedGen C0338503, MONDO:0008428, OMIM 182230, HP:0100842.

Submissions (2):

GeneDx
Classification: Pathogenic. Last evaluated: 2023-05-17. Review status: criteria provided, single submitter. Criteria: GeneDx Variant Classification Process June 2021. Collection method: clinical testing. Allele origin: germline. Affected: yes.
Comment: Canonical splice site variant predicted to result in a null allele in a gene for which loss of function is a known mechanism of disease; Not observed at significant frequency in large population cohorts (gnomAD); This variant is associated with the following publications: (PMID: 25525159, 31334757, 19603532, 35885948, 32542401)

Genomics, Genetics and Epigenetics Laboratory, Medical College of Wisconsin
Classification: Pathogenic for Septo-optic dysplasia. Last evaluated: 2022-06-03. Review status: criteria provided, single submitter. Criteria: ACMG Guidelines, 2015. Collection method: research. Allele origin: germline. Affected: yes.

Literature cited by the submitters: PubMed 35885948 (cited by Genomics, Genetics and Epigenetics Laboratory, Medical College of Wisconsin).

NM_000193.4(SHH):c.562+1G>A

Gene: SHH (sonic hedgehog signaling molecule; minus strand). Cytogenetic location: 7q36.3.
Variant type: single nucleotide variant.
Coding change: c.562+1G>A on transcript NM_000193.4 (MANE Select); the canonical splice donor site of the intron after coding-DNA position 562, G replaced by A.
Molecular consequence: splice donor variant.
Genome position (GRCh38, 1-based): chr7:155,806,295, C>T on the plus strand (G>A on the coding strand, the complement: SHH is on the minus strand). VCF-style: chr7-155806295-C-T. GRCh37 (hg19) VCF-style: chr7-155598989-C-T.
Other names: c.301+1G>A (NM_001310462.2).
Identifiers: ClinVar variation 1693157 (VCV001693157.3), dbSNP rs2535900806, ClinGen allele CA370147854.